The following is an entry in ClinVar:

ClinVar aggregate classification (germline): Uncertain significance. Review status: criteria provided, multiple submitters, no conflicts (2 of 4 stars). 2 submissions from 2 submitters: Uncertain significance (2). Last evaluated 2024-03-12.

Conditions:
Familial cancer of breast. Also called: BREAST CANCER, FAMILIAL; hereditary breast carcinoma; Hereditary breast cancer. Identifiers: Orphanet 227535, MedGen C0346153, MONDO:0016419, OMIM 114480. Disease mechanism: loss of function.
Fanconi anemia complementation group J. Also called: BRIP1-Related Fanconi Anemia. Identifiers: Orphanet 84, MedGen C1836860, MONDO:0012187, OMIM 609054.
Hereditary cancer-predisposing syndrome. Also called: Hereditary Cancer Syndrome; Neoplastic Syndromes, Hereditary; Tumor predisposition; Hereditary neoplastic syndrome. Identifiers: Orphanet 140162, MedGen C0027672, MeSH D009386, MONDO:0015356.

Submissions (2):

Labcorp Genetics (formerly Invitae), Labcorp
Classification: Uncertain significance for Familial cancer of breast; Fanconi anemia complementation group J. Last evaluated: 2024-03-12. Review status: criteria provided, single submitter. Criteria: Invitae Variant Classification Sherloc (09022015). Collection method: clinical testing. Allele origin: germline.
Comment: This sequence change replaces lysine, which is basic and polar, with glutamic acid, which is acidic and polar, at codon 862 of the BRIP1 protein (p.Lys862Glu). This variant is not present in population databases (gnomAD no frequency). This variant has not been reported in the literature in individuals affected with BRIP1-related conditions. ClinVar contains an entry for this variant (Variation ID: 639054). Advanced modeling of protein sequence and biophysical properties (such as structural, functional, and spatial information, amino acid conservation, physicochemical variation, residue mobility, and thermodynamic stability) performed at Invitae indicates that this missense variant is expected to disrupt BRIP1 protein function with a positive predictive value of 80%. In summary, the available evidence is currently insufficient to determine the role of this variant in disease. Therefore, it has been classified as a Variant of Uncertain Significance.

Ambry Genetics
Classification: Uncertain significance for Hereditary cancer-predisposing syndrome. Last evaluated: 2015-10-14. Review status: criteria provided, single submitter. Criteria: Ambry Variant Classification Scheme 2023. Collection method: clinical testing. Allele origin: germline.
Comment: The p.K862E variant (also known as c.2584A>G), located in coding exon 18 of the BRIP1 gene, results from an A to G substitution at nucleotide position 2584. The lysine at codon 862 is replaced by glutamic acid, an amino acid with similar properties. This variant was not reported in population based cohorts in the following databases: Database of Single Nucleotide Polymorphisms (dbSNP), NHLBI Exome Sequencing Project (ESP), and 1000 Genomes Project. In the ESP, this variant was not observed in 6490 samples (12980 alleles) with coverage at this position. To date, this alteration has been detected with an allele frequency of approximately 0.002% (greater than 65000 alleles tested) in our clinical cohort. This amino acid position is highly conserved in available vertebrate species. In addition, this alteration is predicted to be deleterious by in silico analysis. Since supporting evidence is limited at this time, the clinical significance of p.K862E remains unclear.

NM_032043.3(BRIP1):c.2584A>G (p.Lys862Glu)

Gene: BRIP1 (BRCA1 interacting DNA helicase 1; minus strand). Cytogenetic location: 17q23.2.
Variant type: single nucleotide variant.
Coding change: c.2584A>G on transcript NM_032043.3 (MANE Select); coding-DNA position 2584, A replaced by G.
Protein change: p.Lys862Glu; replaces lysine 862 with glutamic acid.
Molecular consequence: missense variant.
Genome position (GRCh38, 1-based): chr17:61,686,157, T>C on the plus strand (A>G on the coding strand, the complement: BRIP1 is on the minus strand). VCF-style: chr17-61686157-T-C. GRCh37 (hg19) VCF-style: chr17-59763518-T-C.
Other names: short protein forms K862E.
Identifiers: ClinVar variation 639054 (VCV000639054.14), dbSNP rs1603277012, ClinGen allele CA400482003.